The following is an entry in ClinVar:

ClinVar aggregate classification (germline): Uncertain significance (1 of 4 stars; one submission).

Conditions:
Congenital sideroblastic anemia-B-cell immunodeficiency-periodic fever-developmental delay syndrome. Also called: Sideroblastic anemia with B-cell immunodeficiency, periodic fevers, and developmental delay. Identifiers: Orphanet 369861, MedGen C4015172, MONDO:0014487, OMIM 616084.

Submission:

Labcorp Genetics (formerly Invitae), Labcorp
Classification: Uncertain significance for Congenital sideroblastic anemia-B-cell immunodeficiency-periodic fever-developmental delay syndrome. Last evaluated: 2021-01-13. Review status: criteria provided, single submitter. Criteria: Invitae Variant Classification Sherloc (09022015). Collection method: clinical testing. Allele origin: germline.
Comment: Algorithms developed to predict the effect of missense changes on protein structure and function (SIFT, PolyPhen-2, Align-GVGD) all suggest that this variant is likely to be tolerated, but these predictions have not been confirmed by published functional studies and their clinical significance is uncertain. In summary, the available evidence is currently insufficient to determine the role of this variant in disease. Therefore, it has been classified as a Variant of Uncertain Significance. This variant has not been reported in the literature in individuals with TRNT1-related conditions. This variant is not present in population databases (ExAC no frequency). This sequence change replaces aspartic acid with glycine at codon 348 of the TRNT1 protein (p.Asp348Gly). The aspartic acid residue is highly conserved and there is a moderate physicochemical difference between aspartic acid and glycine.

NM_182916.3(TRNT1):c.1043A>G (p.Asp348Gly)

Gene: TRNT1 (tRNA nucleotidyl transferase 1; plus strand). Cytogenetic location: 3p26.2.
Variant type: single nucleotide variant.
Coding change: c.1043A>G on transcript NM_182916.3 (MANE Select); coding-DNA position 1043, A replaced by G.
Protein change: p.Asp348Gly; replaces aspartic acid 348 with glycine.
Molecular consequence: missense variant. On other transcripts: non-coding transcript variant (8).
Genome position (GRCh38, 1-based): chr3:3,147,690, A>G. VCF-style: chr3-3147690-A-G. GRCh37 (hg19) VCF-style: chr3-3189374-A-G.
Other names: c.983A>G, p.Asp328Gly (NM_001302946.2); c.1043A>G, p.Asp348Gly (NM_001367321.1, NM_001367322.1, NM_001367323.1); short protein forms D328G, D348G.
Identifiers: ClinVar variation 1516287 (VCV001516287.8), dbSNP rs2126037130, ClinGen allele CA351448360.